The following is an entry in ClinVar:

NM_000549.5(TSHB):c.141T>G (p.Cys47Trp)

Gene: TSHB (thyroid stimulating hormone subunit beta; plus strand). Cytogenetic location: 1p13.2.
Variant type: single nucleotide variant.
Coding change: c.141T>G on transcript NM_000549.5 (MANE Select); coding-DNA position 141, T replaced by G.
Protein change: p.Cys47Trp; replaces cysteine 47 with tryptophan.
Molecular consequence: missense variant.
Genome position (GRCh38, 1-based): chr1:115,033,503, T>G. VCF-style: chr1-115033503-T-G. GRCh37 (hg19) VCF-style: chr1-115576124-T-G.
Other names: short protein forms C47W.
Identifiers: ClinVar variation 3336452 (VCV003336452.1).

ClinVar aggregate classification (germline): Uncertain significance (1 of 4 stars; one submission).

gnomAD v4.1: 1 of 1,613,322 alleles (0.000062%); highest among the groups gnomAD compares: African/African-American, 0.0013%; no homozygotes.

Submission:

Women's Health and Genetics/Laboratory Corporation of America, LabCorp
Classification: Uncertain significance. Last evaluated: 2024-05-22. Review status: criteria provided, single submitter. Criteria: LabCorp Variant Classification Summary - May 2015. Collection method: clinical testing. Allele origin: germline.
Comment: Variant summary: TSHB c.141T>G (p.Cys47Trp) results in a non-conservative amino acid change located in the Glycoprotein hormone subunit beta domain (IPR006208) of the encoded protein sequence. Five of five in-silico tools predict a damaging effect of the variant on protein function. The variant was absent in 251280 control chromosomes. c.141T>G has been reported in the literature in at least 1 homozygous individual affected with clinical features of Isolated thyroid-stimulating hormone deficiency (example, Ebrhim_2019). These data indicate that the variant may be associated with disease. To our knowledge, no experimental evidence demonstrating an impact on protein function has been reported. The following publication has been ascertained in the context of this evaluation (PMID: 31914441). No submitters have cited clinical-significance assessments for this variant to ClinVar. Based on the evidence outlined above, the variant was classified as VUS-possibly pathogenic.

Literature cited by the submitters: PubMed 31914441.